The following is an entry in ClinVar:

NM_001013838.3(CARMIL2):c.1553A>G (p.Asp518Gly)

Gene: CARMIL2 (capping protein regulator and myosin 1 linker 2; plus strand). Cytogenetic location: 16q22.1.
Variant type: single nucleotide variant.
Coding change: c.1553A>G on transcript NM_001013838.3 (MANE Select); coding-DNA position 1553, A replaced by G.
Protein change: p.Asp518Gly; replaces aspartic acid 518 with glycine.
Molecular consequence: missense variant.
Genome position (GRCh38, 1-based): chr16:67,648,936, A>G. VCF-style: chr16-67648936-A-G. GRCh37 (hg19) VCF-style: chr16-67682839-A-G.
Other names: c.1445A>G, p.Asp482Gly (NM_001317026.3); short protein forms D482G, D518G.
Identifiers: ClinVar variation 1941680 (VCV001941680.6), dbSNP rs1455467933, ClinGen allele CA396337010.
Genomic context (GRCh38, chr16:67,648,936, plus strand): 5'-CCACCTCCCACATACAGCTGCGCTCGGCCGGCGCCCAGGTGATACAAGACTTAGTGTGCG[A>G]CGCAGGCGCTGTGAGCTCCCTGGATCTGGCGGATAACGGTGAGGCTGCAGGAGAGCCCAT-3'
Protein context (NP_001013860.1, residues 508-528): GAQVIQDLVC[Asp518Gly]AGAVSSLDLA

ClinVar aggregate classification (germline): Uncertain significance. Review status: criteria provided, multiple submitters, no conflicts (2 of 4 stars). 2 submissions from 2 submitters: Uncertain significance (2). Last evaluated 2022-06-13.

Conditions:
Inborn genetic diseases. Identifiers: MedGen C0950123, MeSH D030342.

Allele frequency attached by ClinVar (database versions not stated): gnomAD 0.00001; gnomAD exomes 0.00001.
gnomAD v4.1: 4 of 1,609,696 alleles (0.00025%); highest among the groups gnomAD compares: Admixed American, 0.005%; no homozygotes.

Submissions (2):

Labcorp Genetics (formerly Invitae), Labcorp
Classification: Uncertain significance. Last evaluated: 2022-06-13. Review status: criteria provided, single submitter. Criteria: Invitae Variant Classification Sherloc (09022015). Collection method: clinical testing. Allele origin: germline.
Comment: This sequence change replaces aspartic acid, which is acidic and polar, with glycine, which is neutral and non-polar, at codon 518 of the CARMIL2 protein (p.Asp518Gly). In summary, the available evidence is currently insufficient to determine the role of this variant in disease. Therefore, it has been classified as a Variant of Uncertain Significance. Algorithms developed to predict the effect of missense changes on protein structure and function (SIFT, PolyPhen-2, Align-GVGD) all suggest that this variant is likely to be tolerated. This variant has not been reported in the literature in individuals affected with CARMIL2-related conditions. This variant is present in population databases (no rsID available, gnomAD 0.009%).

Ambry Genetics
Classification: Uncertain significance for Inborn genetic diseases. Last evaluated: 2021-08-30. Review status: criteria provided, single submitter. Criteria: Ambry Variant Classification Scheme 2023. Collection method: clinical testing. Allele origin: germline.